The following is an entry in ClinVar:

ClinVar aggregate classification (germline): Pathogenic (0 of 4 stars; one submission).

Conditions:
Hermansky-Pudlak syndrome 5 (HPS5). Identifiers: Orphanet 231512, Orphanet 79430, MedGen C3888004, MONDO:0013557, OMIM 614074.

gnomAD v4.1: 4 of 1,614,208 alleles (0.00025%); highest among the groups gnomAD compares: South Asian, 0.0022%; no homozygotes.

Submission:

Department of Dermatology, Faculty of Medicine, Yamagata University
Classification: Pathogenic for Hermansky-Pudlak syndrome 5. Last evaluated: 2024-01-11. Review status: no assertion criteria provided. Collection method: clinical testing. Allele origin: germline. Inheritance: Autosomal recessive inheritance. Affected: yes. Observed: 1 variant allele, 1 compound heterozygote.
Comment: We identified that the c.1128A>G variant induces an abnormal splicing event, leading to a 41-nucleotide deletion in exon 10 (NM_181507.2: r.1124_1164del). This splicing error is predicted to cause a frameshift, resulting in a truncated protein (NP_852608.1: p.(Thr376LysfsTer8))

NM_181507.2(HPS5):c.1128A>G (p.Thr376=)

Gene: HPS5 (HPS5 biogenesis of lysosomal organelles complex 2 subunit 2; minus strand). Cytogenetic location: 11p15.1.
Variant type: single nucleotide variant.
Coding change: c.1128A>G on transcript NM_181507.2 (MANE Select); coding-DNA position 1128, A replaced by G.
Protein change: p.Thr376=; no amino-acid change (threonine 376 retained).
Molecular consequence: synonymous variant.
Genome position (GRCh38, 1-based): chr11:18,298,828, T>C on the plus strand (A>G on the coding strand, the complement: HPS5 is on the minus strand). VCF-style: chr11-18298828-T-C. GRCh37 (hg19) VCF-style: chr11-18320375-T-C.
Other names: c.786A>G, p.Thr262= (NM_007216.4, NM_181508.2).
Identifiers: ClinVar variation 3374733 (VCV003374733.1).